The following is an entry in ClinVar:

ClinVar aggregate classification (germline): Likely benign (1 of 4 stars; one submission).

gnomAD v4.1: 100 of 1,298,060 alleles (0.0077%); highest among the groups gnomAD compares: South Asian, 0.065%; 1 homozygote.

Submission:

CeGaT Center for Human Genetics Tuebingen
Classification: Likely benign. Last evaluated: 2026-01-01. Review status: criteria provided, single submitter. Criteria: CeGaT Center For Human Genetics Tuebingen Variant Classification Criteria Version 2. Collection method: clinical testing. Allele origin: germline. Affected: yes. Observed: 1 variant allele.
Comment: DOT1L: BP4

NM_032482.3(DOT1L):c.4606+891C>T

Gene: DOT1L (DOT1 like histone lysine methyltransferase; plus strand). Cytogenetic location: 19p13.3.
Variant type: single nucleotide variant.
Coding change: c.4606+891C>T on transcript NM_032482.3 (MANE Select); 891 bases into the intron after coding-DNA position 4606, C replaced by T.
Molecular consequence: intron variant. On other transcripts: missense variant (1).
Genome position (GRCh38, 1-based): chr19:2,228,018, C>T. VCF-style: chr19-2228018-C-T. GRCh37 (hg19) VCF-style: chr19-2228017-C-T.
Other names: c.4888C>T, p.Pro1630Ser (NM_001411141.1); short protein forms P1630S.
Identifiers: ClinVar variation 4821576 (VCV004821576.4).